The following is an entry in ClinVar:

ClinVar aggregate classification (germline): Pathogenic (1 of 4 stars; one submission).

Allele frequency attached by ClinVar (database versions not stated): gnomAD exomes below 0.00001.

Submission:

Labcorp Genetics (formerly Invitae), Labcorp
Classification: Pathogenic. Last evaluated: 2023-08-25. Review status: criteria provided, single submitter. Criteria: Invitae Variant Classification Sherloc (09022015). Collection method: clinical testing. Allele origin: germline.
Comment: For these reasons, this variant has been classified as Pathogenic. This sequence change creates a premature translational stop signal (p.Tyr1677Phefs*2) in the TG gene. It is expected to result in an absent or disrupted protein product. Loss-of-function variants in TG are known to be pathogenic (PMID: 19837936, 23164529). This variant is not present in population databases (gnomAD no frequency). This variant has not been reported in the literature in individuals affected with TG-related conditions.

Literature cited by the submitters: PubMed 19837936; PubMed 23164529.

NM_003235.5(TG):c.5030del (p.Tyr1677fs)

Gene: TG (thyroglobulin; plus strand). Cytogenetic location: 8q24.22.
Variant type: Deletion.
Coding change: c.5030del on transcript NM_003235.5 (MANE Select); coding-DNA position 5030, one base deleted (A; older notation c.5030delA).
Protein change: p.Tyr1677fs; shifts the reading frame from tyrosine 1677.
Molecular consequence: frameshift variant.
Genome position (GRCh38, 1-based): chr8:132,935,853, A deleted. VCF-style (leftmost placement, unchanged base first): chr8-132935852-TA-T. GRCh37 (hg19) VCF-style: chr8-133948097-TA-T.
Other names: short protein forms Y1677fs.
Identifiers: ClinVar variation 2808604 (VCV002808604.3), dbSNP rs2490556488, ClinGen allele CA2579254193.
Genomic context (GRCh38, chr8:132,935,852, plus strand): 5'-TTTGGAAGTCTTCGCTGCCAGGTGAAAGTGAGGAGCCATGGTCAAGATTCTCCAGCTGTG[TA>T]TTTGAAAAAGGGTAGGTTGGTCAGGCTGGTTGGCTTAGGCCCGCGGTGGCTTCACACGGT-3'